The following is an entry in ClinVar:

NM_001134831.2(AHI1):c.2756A>G (p.Asp919Gly)

Gene: AHI1 (Abelson helper integration site 1; minus strand). Cytogenetic location: 6q23.3.
Variant type: single nucleotide variant.
Coding change: c.2756A>G on transcript NM_001134831.2 (MANE Select); coding-DNA position 2756, A replaced by G.
Protein change: p.Asp919Gly; replaces aspartic acid 919 with glycine.
Molecular consequence: missense variant.
Genome position (GRCh38, 1-based): chr6:135,427,175, T>C on the plus strand (A>G on the coding strand, the complement: AHI1 is on the minus strand). VCF-style: chr6-135427175-T-C. GRCh37 (hg19) VCF-style: chr6-135748313-T-C.
Other names: c.2756A>G, p.Asp919Gly (NM_001134830.2, NM_001134832.2, NM_001350503.2 and 2 more transcripts); short protein forms D919G.
Identifiers: ClinVar variation 1942715 (VCV001942715.5), dbSNP rs1337475182, ClinGen allele CA365740819.
Genomic context (GRCh38, chr6:135,427,175, plus strand): 5'-TAAATGTAAAGGTTACTCTAAAAATTCTTTACTTATCAAGTGGTAGACTTACCATGGAAA[T>C]CGTAAATATACAGAAGAATTGGCTCATTTTGCCCAAATGCACAGAATGCAACCATATTTT-3'
Protein context (NP_001128303.1, residues 909-929): QNEPILLYIY[Asp919Gly]FHVAQQEAEM

ClinVar aggregate classification (germline): Uncertain significance (1 of 4 stars; one submission).

Conditions:
Joubert syndrome. Also called: CEREBELLOPARENCHYMAL DISORDER IV; JOUBERT-BOLTSHAUSER SYNDROME; Familial aplasia of the vermis. Identifiers: Orphanet 475, MedGen C5979921, MONDO:0018772.

Submission:

Labcorp Genetics (formerly Invitae), Labcorp
Classification: Uncertain significance for Joubert syndrome. Last evaluated: 2023-11-28. Review status: criteria provided, single submitter. Criteria: Invitae Variant Classification Sherloc (09022015). Collection method: clinical testing. Allele origin: germline.
Comment: This sequence change replaces aspartic acid, which is acidic and polar, with glycine, which is neutral and non-polar, at codon 919 of the AHI1 protein (p.Asp919Gly). This variant is not present in population databases (gnomAD no frequency). This variant has not been reported in the literature in individuals affected with AHI1-related conditions. ClinVar contains an entry for this variant (Variation ID: 1942715). Advanced modeling of protein sequence and biophysical properties (such as structural, functional, and spatial information, amino acid conservation, physicochemical variation, residue mobility, and thermodynamic stability) has been performed at Invitae for this missense variant, however the output from this modeling did not meet the statistical confidence thresholds required to predict the impact of this variant on AHI1 protein function. In summary, the available evidence is currently insufficient to determine the role of this variant in disease. Therefore, it has been classified as a Variant of Uncertain Significance.